The following is an entry in ClinVar:

ClinVar aggregate classification (germline): Uncertain significance. Review status: criteria provided, multiple submitters, no conflicts (2 of 4 stars). 2 submissions from 2 submitters: Uncertain significance (2). Last evaluated 2021-08-27.

Allele frequency attached by ClinVar (database versions not stated): gnomAD exomes below 0.00001; ExAC 0.00001; ESP Exome Variant Server 0.00008.
gnomAD v4.1: 7 of 1,614,218 alleles (0.00043%); highest among the groups gnomAD compares: Non-Finnish European, 0.00059%; no homozygotes.

Submissions (2):

Labcorp Genetics (formerly Invitae), Labcorp
Classification: Uncertain significance. Last evaluated: 2021-08-27. Review status: criteria provided, single submitter. Criteria: Invitae Variant Classification Sherloc (09022015). Collection method: clinical testing. Allele origin: germline.
Comment: This sequence change replaces phenylalanine with isoleucine at codon 546 of the CDHR1 protein (p.Phe546Ile). The phenylalanine residue is highly conserved and there is a small physicochemical difference between phenylalanine and isoleucine. This variant is present in population databases (rs370493089, ExAC 0.001%). This variant has not been reported in the literature in individuals affected with CDHR1-related conditions. Advanced modeling of protein sequence and biophysical properties (such as structural, functional, and spatial information, amino acid conservation, physicochemical variation, residue mobility, and thermodynamic stability) performed at Invitae indicates that this missense variant is not expected to disrupt CDHR1 protein function. In summary, the available evidence is currently insufficient to determine the role of this variant in disease. Therefore, it has been classified as a Variant of Uncertain Significance.

Blueprint Genetics
Classification: Uncertain significance. Last evaluated: 2019-08-13. Review status: criteria provided, single submitter. Criteria: ACMG Guidelines, 2015. Collection method: clinical testing. Allele origin: germline.

NM_033100.4(CDHR1):c.1636T>A (p.Phe546Ile)

Gene: CDHR1 (cadherin related family member 1; plus strand). Cytogenetic location: 10q23.1.
Variant type: single nucleotide variant.
Coding change: c.1636T>A on transcript NM_033100.4 (MANE Select); coding-DNA position 1636, T replaced by A.
Protein change: p.Phe546Ile; replaces phenylalanine 546 with isoleucine.
Molecular consequence: missense variant.
Genome position (GRCh38, 1-based): chr10:84,212,261, T>A. VCF-style: chr10-84212261-T-A. GRCh37 (hg19) VCF-style: chr10-85972017-T-A.
Other names: c.1636T>A, p.Phe546Ile (NM_001171971.3); short protein forms F546I.
Identifiers: ClinVar variation 1349988 (VCV001349988.6), dbSNP rs370493089, ClinGen allele CA5580007.
Genomic context (GRCh38, chr10:84,212,261, plus strand): 5'-GGGCTTATCTACACCCAGCCCTGGGCTAGCCTGGACGCTGAGGCCACTGCCAGGTACAAC[T>A]TCTATGTGAAGGCAGAGGACATGGAAGGCAAGTACAGCGTAGCTGAGGTGTTTATCACAC-3'
Protein context (NP_149091.1, residues 536-556): LDAEATARYN[Phe546Ile]YVKAEDMEGK